The following is an entry in ClinVar:

ClinVar aggregate classification (germline): Conflicting classifications of pathogenicity. Review status: criteria provided, conflicting classifications (1 of 4 stars). 6 submissions from 6 submitters: Uncertain significance (3); Benign (1); Likely benign (1). 1 of the submissions does not count toward it. Last evaluated 2026-01-27.

Conditions:
Colobomatous optic disc-macular atrophy-chorioretinopathy syndrome (ODRMD). Also called: OPTIC DISC ANOMALIES WITH RETINAL AND/OR MACULAR DYSTROPHY. Identifiers: Orphanet 435930, MedGen C4225424, MONDO:0008927, OMIM 212550.
Anophthalmia/microphthalmia-esophageal atresia syndrome (MCOPS3). Also called: MICROPHTHALMIA AND ESOPHAGEAL ATRESIA SYNDROME; AEG SYNDROME; SOX2 Disorder. Identifiers: Orphanet 77298, MedGen C1859773, MONDO:0008799, OMIM 206900.
Anophthalmia-microphthalmia syndrome. Also called: Anophthalmia - microphthalmia; Anophthalmia/Microphthalmia. Identifiers: Orphanet 98555, MedGen C5680330, MONDO:0020147.
SIX6-related disorder. Also called: SIX6-related condition.

Allele frequency attached by ClinVar (database versions not stated): 1000 Genomes Project 0.00100; 1000 Genomes Project 30x 0.00109; TOPMed 0.00370; gnomAD exomes 0.00403 and 0.00577; ExAC 0.00404; gnomAD 0.00414 and 0.00428; ESP Exome Variant Server 0.00454.
gnomAD v4.1: 9,029 of 1,613,104 alleles (0.56%); highest among the groups gnomAD compares: Non-Finnish European, 0.68%; 37 homozygotes.

Submissions (6):

Labcorp Genetics (formerly Invitae), Labcorp
Classification: Likely benign. Last evaluated: 2026-01-27. Review status: criteria provided, single submitter. Criteria: Invitae Variant Classification Sherloc (09022015). Collection method: clinical testing. Allele origin: germline.

GeneDx
Classification: Benign. Last evaluated: 2020-07-20. Review status: criteria provided, single submitter. Criteria: GeneDx Variant Classification Process June 2021. Collection method: clinical testing. Allele origin: germline. Affected: yes.
Comment: Reported as a risk or hypomorphic allele in relation to primary open-angle glaucoma (Carnes et al., 2014; Iglesias et al., 2014; Shah et al., 2017); In silico analysis supports that this missense variant has a deleterious effect on protein structure/function; This variant is associated with the following publications: (PMID: 24150847, 28499933, 28717659, 29165578, 24875647)

Fulgent Genetics
Classification: Uncertain significance for Anophthalmia/microphthalmia-esophageal atresia syndrome; Colobomatous optic disc-macular atrophy-chorioretinopathy syndrome. Last evaluated: 2018-10-31. Review status: criteria provided, single submitter. Criteria: ACMG Guidelines, 2015. Collection method: clinical testing. Allele origin: unknown.

Illumina Laboratory Services, Illumina
Classification: Uncertain significance for Anophthalmia-microphthalmia syndrome. Last evaluated: 2018-01-12. Review status: criteria provided, single submitter. Criteria: ICSL Variant Classification Criteria 13 December 2019. Collection method: clinical testing. Allele origin: germline.

Center for Pediatric Genomic Medicine, Children's Mercy Hospital and Clinics
Classification: Uncertain significance. Last evaluated: 2017-04-28. Review status: criteria provided, single submitter. Criteria: ACMG Guidelines, 2015. Collection method: clinical testing. Allele origin: germline.

PreventionGenetics, part of Exact Sciences
Classification: Likely benign for SIX6-related condition. Last evaluated: 2019-05-24. Review status: no assertion criteria provided. Collection method: clinical testing. Allele origin: germline. Not counted in ClinVar's aggregate classification.
Comment: This variant is classified as likely benign based on ACMG/AMP sequence variant interpretation guidelines (Richards et al. 2015 PMID: 25741868, with internal and published modifications).

NM_007374.3(SIX6):c.385G>A (p.Glu129Lys)

Genes: SIX6 (SIX homeobox 6; plus strand), C14orf39 (chromosome 14 open reading frame 39; minus strand). Cytogenetic location: 14q23.1.
Variant type: single nucleotide variant.
Coding change: c.385G>A on transcript NM_007374.3 (MANE Select); coding-DNA position 385, G replaced by A.
Protein change: p.Glu129Lys; replaces glutamic acid 129 with lysine.
Molecular consequence: missense variant.
Genome position (GRCh38, 1-based): chr14:60,509,783, G>A. VCF-style: chr14-60509783-G-A. GRCh37 (hg19) VCF-style: chr14-60976501-G-A.
Other names: short protein forms E129K.
Identifiers: ClinVar variation 445796 (VCV000445796.21), dbSNP rs146737847, ClinGen allele CA7212586.